The following is an entry in ClinVar:

NM_000257.4(MYH7):c.2841C>A (p.Cys947Ter)

Gene: MYH7 (myosin heavy chain 7; minus strand). Cytogenetic location: 14q11.2.
Variant type: single nucleotide variant.
Coding change: c.2841C>A on transcript NM_000257.4 (MANE Select); coding-DNA position 2841, C replaced by A.
Protein change: p.Cys947Ter; replaces cysteine 947 with a stop codon.
Molecular consequence: nonsense.
Genome position (GRCh38, 1-based): chr14:23,423,988, G>T on the plus strand (C>A on the coding strand, the complement: MYH7 is on the minus strand). VCF-style: chr14-23423988-G-T. GRCh37 (hg19) VCF-style: chr14-23893197-G-T.
Other names: short protein forms C947*.
Identifiers: ClinVar variation 924670 (VCV000924670.7), dbSNP rs1892589158, ClinGen allele CA389046859.

ClinVar aggregate classification (germline): Uncertain significance. Review status: criteria provided, multiple submitters, no conflicts (2 of 4 stars). 3 submissions from 3 submitters: Uncertain significance (3). Last evaluated 2024-12-20.

Conditions:
Hypertrophic cardiomyopathy. Also called: HYPERTROPHIC MYOCARDIOPATHY. Identifiers: Orphanet 217569, MedGen C0007194, MeSH D002312, MONDO:0005045, HP:0001639.
Myopathy, myosin storage, autosomal recessive (CMYO7B). Also called: CONGENITAL MYOPATHY 7B, MYOSIN STORAGE, AUTOSOMAL RECESSIVE. Identifiers: Orphanet 636970, MedGen C1850709, MONDO:0009708, OMIM 255160.
Dilated cardiomyopathy 1S (CMD1S). Identifiers: Orphanet 154, Orphanet 54260, MedGen C1834481, MONDO:0013262, OMIM 613426.
Myosin storage myopathy (CMYO7A). Also called: MYOPATHY, HYALINE BODY, AUTOSOMAL DOMINANT; Scapuloperoneal myopathy, MYH7-related; MYOPATHY WITH LYSIS OF TYPE I MYOFIBRILS; SCAPULOPERONEAL MUSCULAR DYSTROPHY; SCAPULOPERONEAL SYNDROME, MYOPATHIC TYPE; MYH7-related late-onset scapuloperoneal muscular dystrophy. Identifiers: Orphanet 437572, Orphanet 636965, MedGen C1842160, MONDO:0008409, OMIM 608358.
MYH7-related skeletal myopathy. Also called: Myopathy, distal, 1; MYOPATHY, DISTAL, EARLY-ONSET, AUTOSOMAL DOMINANT; MYOPATHY, LATE DISTAL HEREDITARY; Laing distal myopathy; Laing early-onset distal myopathy. Identifiers: Orphanet 59135, MedGen C4552004, MONDO:0008050, OMIM 160500.
Hypertrophic cardiomyopathy 1 (CMH1). Also called: Familial hypertrophic cardiomyopathy 1; MYH7-Related Familial Hypertrophic Cardiomyopathy. Identifiers: MedGen C3495498, MONDO:0008647, OMIM 192600.
Cardiomyopathy (CMYO). Also called: Cardiomyopathies. Identifiers: Orphanet 167848, MedGen C0878544, MONDO:0004994, HP:0001638. Inheritance: Various modes of inheritance.

Allele frequency attached by ClinVar (database versions not stated): gnomAD exomes below 0.00001.
gnomAD v4.1: 2 of 1,614,218 alleles (0.00012%); highest among the groups gnomAD compares: Non-Finnish European, 0.00017%; no homozygotes.

Submissions (3):

Color Diagnostics, LLC DBA Color Health
Classification: Uncertain significance for Cardiomyopathy. Last evaluated: 2024-12-20. Review status: criteria provided, single submitter. Criteria: ACMG Guidelines, 2015. Collection method: clinical testing. Allele origin: germline.
Comment: This variant changes 1 nucleotide in exon 23 of the MYH7 gene, creating a premature translation stop signal. This variant is expected to result in an absent or non-functional protein product. To our knowledge, this variant has not been reported in individuals affected with MYH7-related disorders in the literature. This variant has not been identified in the general population by the Genome Aggregation Database (gnomAD). Clinical relevance of loss-of-function MYH7 truncation variants in autosomal dominant cardiovascular disorders is not clearly established. The available evidence is insufficient to determine the role of this variant in disease conclusively. Therefore, this variant is classified as a Variant of Uncertain Significance.

All of Us Research Program, National Institutes of Health
Classification: Uncertain significance for Hypertrophic cardiomyopathy. Last evaluated: 2023-10-10. Review status: criteria provided, single submitter. Criteria: ACMG Guidelines, 2015. Collection method: clinical testing. Allele origin: germline. Inheritance: Autosomal dominant inheritance. Observed: 1 variant allele, 1 heterozygote.
Comment: This study involves interpretation of variants in research participants for the purpose of population health screening. Participant phenotype was not available at the time of variant classification. Additional details can be found in publication PMID: 35346344, PMCID: PMC8962531

Department of Pathology and Laboratory Medicine, Sinai Health System
Classification: Uncertain significance for MYH7-related skeletal myopathy; Hypertrophic cardiomyopathy 1; Myopathy, myosin storage, autosomal recessive; Myosin storage myopathy; Dilated cardiomyopathy 1S. Last evaluated: 2023-04-24. Review status: criteria provided, single submitter. Criteria: ACMG Guidelines, 2015. Collection method: research. Allele origin: germline.